The following is an entry in ClinVar:

ClinVar aggregate classification (germline): Uncertain significance (1 of 4 stars; one submission).

Allele frequency attached by ClinVar (database versions not stated): gnomAD exomes below 0.00001.
gnomAD v4.1: 2 of 1,612,836 alleles (0.00012%); highest among the groups gnomAD compares: Non-Finnish European, 0.00017%; no homozygotes.

Submission:

GeneDx
Classification: Uncertain significance. Last evaluated: 2025-08-29. Review status: criteria provided, single submitter. Criteria: GeneDx Variant Classification Process June 2021. Collection method: clinical testing. Allele origin: germline.
Comment: In silico analysis supports that this missense variant has a deleterious effect on protein structure/function; Has not been previously published as pathogenic or benign to our knowledge

NM_014159.7(SETD2):c.1780T>A (p.Cys594Ser)

Gene: SETD2 (SET domain containing 2, histone lysine methyltransferase; minus strand). Cytogenetic location: 3p21.31.
Variant type: single nucleotide variant.
Coding change: c.1780T>A on transcript NM_014159.7 (MANE Select); coding-DNA position 1780, T replaced by A.
Protein change: p.Cys594Ser; replaces cysteine 594 with serine.
Molecular consequence: missense variant. On other transcripts: non-coding transcript variant (1).
Genome position (GRCh38, 1-based): chr3:47,122,856, A>T on the plus strand (T>A on the coding strand, the complement: SETD2 is on the minus strand). VCF-style: chr3-47122856-A-T. GRCh37 (hg19) VCF-style: chr3-47164346-A-T.
Other names: c.1648T>A, p.Cys550Ser (NM_001349370.3); short protein forms C550S, C594S.
Identifiers: ClinVar variation 2663280 (VCV002663280.2), dbSNP rs2106689172, ClinGen allele CA352529181.